The following is an entry in ClinVar:

ClinVar aggregate classification (germline): Conflicting classifications of pathogenicity. Review status: criteria provided, conflicting classifications (1 of 4 stars). 6 submissions from 5 submitters: Uncertain significance (3); Likely benign (2). 1 of the submissions does not count toward it. Last evaluated 2026-02-01.

Conditions:
Gastrointestinal defects and immunodeficiency syndrome 1 (GIDID1). Also called: Combined immunodeficiency-enteropathy spectrum. Identifiers: Orphanet 436252, MedGen C5968858, MONDO:0800030, OMIM 243150.
Inborn genetic diseases. Identifiers: MedGen C0950123, MeSH D030342.
Multiple gastrointestinal atresias. Also called: FAMILIAL INTESTINAL POLYATRESIA SYNDROME; Multiple intestinal atresia. Identifiers: Orphanet 2300, MedGen C0220744, MONDO:0009465.
TTC7A-related disorder. Also called: TTC7A-related condition.

Allele frequency attached by ClinVar (database versions not stated): gnomAD exomes 0.00007 and 0.00017; ExAC 0.00020; 1000 Genomes Project 30x 0.00078; 1000 Genomes Project 0.00080; gnomAD 0.00084 and 0.00088; TOPMed 0.00086; ESP Exome Variant Server 0.00108.
gnomAD v4.1: 235 of 1,613,748 alleles (0.015%); highest among the groups gnomAD compares: African/African-American, 0.3%; 1 homozygote.

Submissions (6):

Labcorp Genetics (formerly Invitae), Labcorp
Classification: Likely benign for Multiple gastrointestinal atresias. Last evaluated: 2026-02-01. Review status: criteria provided, single submitter. Criteria: Invitae Variant Classification Sherloc (09022015). Collection method: clinical testing. Allele origin: germline.

Ambry Genetics
Classification: Uncertain significance for Inborn genetic diseases. Last evaluated: 2025-09-11. Review status: criteria provided, single submitter. Criteria: Ambry Variant Classification Scheme 2023. Collection method: clinical testing. Allele origin: germline.

Blueprint Genetics
Classification: Likely benign. Last evaluated: 2024-10-28. Review status: criteria provided, single submitter. Criteria: ACMG Guidelines, 2015. Collection method: clinical testing. Allele origin: germline.

Center for Genomics, Ann and Robert H. Lurie Children's Hospital of Chicago
Classification: Uncertain significance for Gastrointestinal defects and immunodeficiency syndrome 1. Last evaluated: 2021-03-30. Review status: criteria provided, single submitter. Criteria: ACMG Guidelines, 2015. Collection method: clinical testing. Allele origin: germline.
Comment: TTC7A NM_020458.3 exon 20 p.Gln828His (c.2484G>C): This variant has not been reported in the literature but is present in 0.3% (76/23966) of African alleles in the Genome Aggregation Database. Evolutionary conservation and computational predictive tools suggest that this variant may not impact the protein. In summary, data on this variant is insufficient for disease classification. Therefore, the clinical significance of this variant is uncertain.

Center for Genomics, Ann and Robert H. Lurie Children's Hospital of Chicago
Classification: Uncertain significance for Gastrointestinal defects and immunodeficiency syndrome 1. Last evaluated: 2018-09-28. Review status: criteria provided, single submitter. Criteria: ACMG Guidelines, 2015. Collection method: clinical testing. Allele origin: germline.
Comment: the same text as in the submission from Center for Genomics, Ann and Robert H. Lurie Children's Hospital of Chicago above.

PreventionGenetics, part of Exact Sciences
Classification: Likely benign for TTC7A-related condition. Last evaluated: 2020-04-24. Review status: no assertion criteria provided. Collection method: clinical testing. Allele origin: germline. Not counted in ClinVar's aggregate classification.
Comment: This variant is classified as likely benign based on ACMG/AMP sequence variant interpretation guidelines (Richards et al. 2015 PMID: 25741868, with internal and published modifications).

NM_020458.4(TTC7A):c.2484G>C (p.Gln828His)

Gene: TTC7A (tetratricopeptide repeat domain 7A; plus strand). Cytogenetic location: 2p21.
Variant type: single nucleotide variant.
Coding change: c.2484G>C on transcript NM_020458.4 (MANE Select); coding-DNA position 2484, G replaced by C.
Protein change: p.Gln828His; replaces glutamine 828 with histidine.
Molecular consequence: missense variant.
Genome position (GRCh38, 1-based): chr2:47,073,830, G>C. VCF-style: chr2-47073830-G-C. GRCh37 (hg19) VCF-style: chr2-47300969-G-C.
Other names: c.2484G>C, p.Gln828His (LRG_1323t1); c.2556G>C, p.Gln852His (NM_001288951.2); c.2382G>C, p.Gln794His (NM_001288953.2); c.1422G>C, p.Gln474His (NM_001288955.2); c.2484G>C (NM_020458.2); short protein forms Q828H, Q852H, Q474H, Q794H.
Identifiers: ClinVar variation 626203 (VCV000626203.19), dbSNP rs151032299, ClinGen allele CA1648174.
Genomic context (GRCh38, chr2:47,073,830, plus strand): 5'-GCAGAGTACGTGCCACGAGGCGTGGCAGGGCCTGGGCGAGGTGCTGCAGGCCCAGGGCCA[G>C]AACGAGGCTGCCGTTGACTGCTTCCTCACCGCCCTTGAGCTGGAGGCCAGCAGCCCTGTA-3'
Protein context (NP_065191.2, residues 818-838): GLGEVLQAQG[Gln828His]NEAAVDCFLT